The following is an entry in ClinVar:

ClinVar aggregate classification (germline): Likely benign (1 of 4 stars; one submission).

Conditions:
MEN1-related disorder. Also called: MEN1-related condition.

Submission:

PreventionGenetics, part of Exact Sciences
Classification: Likely benign for MEN1-related condition. Last evaluated: 2024-11-20. Review status: criteria provided, single submitter. Criteria: ACMG Guidelines, 2015. Collection method: clinical testing. Allele origin: germline.
Comment: This variant is classified as likely benign based on ACMG/AMP sequence variant interpretation guidelines (Richards et al. 2015 PMID: 25741868, with internal and published modifications).

NM_001370259.2(MEN1):c.-13_-7del

Gene: MEN1 (menin 1; minus strand). Cytogenetic location: 11q13.1.
Variant type: Deletion.
Coding change: c.-13_-7del on transcript NM_001370259.2 (MANE Select); 13 bases upstream of the start codon through 7 bases upstream of the start codon, 7 bases deleted (ACCGCCC; older notation c.-13_-7delACCGCCC).
Molecular consequence: 5 prime UTR variant. On other transcripts: non-coding transcript variant (4).
Genome position (GRCh38, 1-based): chr11:64,810,116-64,810,122, GGGCGGT deleted on the plus strand (ACCGCCC on the coding strand, the reverse complement: MEN1 is on the minus strand); deleting any 7 consecutive bases within chr11:64,810,116-64,810,128 gives the same sequence; the c. name uses the placement nearest the transcript's 3' end. VCF-style (leftmost placement, unchanged base first): chr11-64810115-CGGGCGGT-C. GRCh37 (hg19) VCF-style: chr11-64577587-CGGGCGGT-C.
Other names: c.-13_-7del (NM_000244.4, NM_001370251.2, NM_001370260.2 and 20 more transcripts); c.-13_-7del7 (NM_000244.3).
Identifiers: ClinVar variation 4997526 (VCV004997526.1).
Genomic context (GRCh38, chr11:64,810,115, plus strand): 5'-CGTCGTCGATGGAGCGCAGCGGGAACAGCGTCTTCTGGGCGGCCTTCAGCCCCATGGCGG[CGGGCGGT>C]GGGCGGCGGCCTGCAAGGCAAGCCGGGGGAGGGAGGGTCGGGCAGGTTCGGCCGGGGAGC-3'